The following is an entry in ClinVar:

ClinVar aggregate classification (germline): Benign. Review status: criteria provided, multiple submitters, no conflicts (2 of 4 stars). 4 submissions from 4 submitters: Benign (4). Last evaluated 2026-02-03.

Conditions:
Bardet-Biedl syndrome 9 (BBS9). Identifiers: Orphanet 110, MedGen C1859567, MONDO:0014437, OMIM 615986.
Bardet-Biedl syndrome (BBS). Identifiers: Orphanet 110, MedGen C0752166, MONDO:0015229.

Allele frequency attached by ClinVar (database versions not stated): gnomAD exomes 0.00334; ExAC 0.00413; gnomAD 0.01298 and 0.01355; ESP Exome Variant Server 0.01369; TOPMed 0.01442; 1000 Genomes Project 0.02017; 1000 Genomes Project 30x 0.02202.
gnomAD v4.1: 3,971 of 1,614,020 alleles (0.25%); highest among the groups gnomAD compares: African/African-American, 4.6%; 85 homozygotes.

Submissions (4):

Labcorp Genetics (formerly Invitae), Labcorp
Classification: Benign for Bardet-Biedl syndrome. Last evaluated: 2026-02-03. Review status: criteria provided, single submitter. Criteria: Invitae Variant Classification Sherloc (09022015). Collection method: clinical testing. Allele origin: germline.

Mayo Clinic Laboratories, Mayo Clinic
Classification: Benign. Last evaluated: 2024-12-13. Review status: criteria provided, single submitter. Criteria: ACMG Guidelines, 2015. Collection method: clinical testing. Allele origin: germline. Observed: 3 variant alleles.
Comment: BS1, BS2, BP4

Illumina Laboratory Services, Illumina
Classification: Benign for Bardet-Biedl syndrome 9. Last evaluated: 2018-01-12. Review status: criteria provided, single submitter. Criteria: ICSL Variant Classification Criteria 13 December 2019. Collection method: clinical testing. Allele origin: germline.
Comment: This variant was observed in the ICSL laboratory as part of a predisposition screen in an ostensibly healthy population. It had not been previously curated by ICSL or reported in the Human Gene Mutation Database (HGMD: prior to June 1st, 2018), and was therefore a candidate for classification through an automated scoring system. Utilizing variant allele frequency, disease prevalence and penetrance estimates, and inheritance mode, an automated score was calculated to assess if this variant is too frequent to cause the disease. Based on the score and internal cut-off values, a variant classified as benign is not then subjected to further curation. The score for this variant resulted in a classification of benign for this disease.

PreventionGenetics, part of Exact Sciences
Classification: Benign. Review status: criteria provided, single submitter. Criteria: ACMG Guidelines, 2015. Collection method: clinical testing. Allele origin: germline.

NM_198428.3(BBS9):c.34A>G (p.Thr12Ala)

Gene: BBS9 (Bardet-Biedl syndrome 9; plus strand). Cytogenetic location: 7p14.3.
Variant type: single nucleotide variant.
Coding change: c.34A>G on transcript NM_198428.3 (MANE Select); coding-DNA position 34, A replaced by G.
Protein change: p.Thr12Ala; replaces threonine 12 with alanine.
Molecular consequence: missense variant. On other transcripts: 5 prime UTR variant (3), non-coding transcript variant (3), intron variant (4).
Genome position (GRCh38, 1-based): chr7:33,146,286, A>G. VCF-style: chr7-33146286-A-G. GRCh37 (hg19) VCF-style: chr7-33185898-A-G.
Other names: c.34A>G, p.Thr12Ala (NM_001033604.2, NM_001033605.2, NM_001348036.1 and 5 more transcripts); c.-268A>G (NM_001348037.3); c.-244A>G (NM_001348038.3, NM_001348039.3); c.-23-6415A>G (NM_001348042.3); c.-189-6415A>G (NM_001348045.3); c.-39+16245A>G (NM_001348046.3, NM_001348044.3); short protein forms T12A.
Identifiers: ClinVar variation 263130 (VCV000263130.16), dbSNP rs4498440, ClinGen allele CA4213853.
Genomic context (GRCh38, chr7:33,146,286, plus strand): 5'-AATGTTTTCTTTTTAGTGTGAAAGAAAATGTCTTTATTTAAAGCCCGTGATTGGTGGTCT[A>G]CTATTCTGGGAGATAAAGAAGAATTTGATCAAGGCTGTTTGTGTCTGGCTAATGTTGACA-3'
Protein context (NP_940820.1, residues 2-22): SLFKARDWWS[Thr12Ala]ILGDKEEFDQ